The following is an entry in ClinVar:

ClinVar aggregate classification (germline): Uncertain significance (1 of 4 stars; one submission).

gnomAD v4.1: 1 of 1,608,684 alleles (0.000062%); highest among the groups gnomAD compares: Non-Finnish European, 0.000085%; no homozygotes.

Submission:

Labcorp Genetics (formerly Invitae), Labcorp
Classification: Uncertain significance. Last evaluated: 2021-03-03. Review status: criteria provided, single submitter. Criteria: Invitae Variant Classification Sherloc (09022015). Collection method: clinical testing. Allele origin: germline.
Comment: In summary, the available evidence is currently insufficient to determine the role of this variant in disease. Therefore, it has been classified as a Variant of Uncertain Significance. Algorithms developed to predict the effect of sequence changes on RNA splicing suggest that this variant may create or strengthen a splice site, but this prediction has not been confirmed by published transcriptional studies. This variant has not been reported in the literature in individuals with SPPL2A-related conditions. This variant is not present in population databases (ExAC no frequency). This sequence change creates a premature translational stop signal (p.Ser164*) in the SPPL2A gene. It is expected to result in an absent or disrupted protein product. However, the current clinical and genetic evidence is not sufficient to establish whether loss-of-function variants in SPPL2A cause disease.

NM_032802.4(SPPL2A):c.491C>A (p.Ser164Ter)

Gene: SPPL2A (signal peptide peptidase like 2A; minus strand). Cytogenetic location: 15q21.2.
Variant type: single nucleotide variant.
Coding change: c.491C>A on transcript NM_032802.4 (MANE Select); coding-DNA position 491, C replaced by A.
Protein change: p.Ser164Ter; replaces serine 164 with a stop codon.
Molecular consequence: nonsense.
Genome position (GRCh38, 1-based): chr15:50,747,588, G>T on the plus strand (C>A on the coding strand, the complement: SPPL2A is on the minus strand). VCF-style: chr15-50747588-G-T. GRCh37 (hg19) VCF-style: chr15-51039785-G-T.
Other names: short protein forms S164*.
Identifiers: ClinVar variation 1487040 (VCV001487040.6), dbSNP rs770556274, ClinGen allele CA392413742.